The following is an entry in ClinVar:

NM_004519.4(KCNQ3):c.1669A>G (p.Met557Val)

Gene: KCNQ3 (potassium voltage-gated channel subfamily Q member 3; minus strand). Cytogenetic location: 8q24.22.
Variant type: single nucleotide variant.
Coding change: c.1669A>G on transcript NM_004519.4 (MANE Select); coding-DNA position 1669, A replaced by G.
Protein change: p.Met557Val; replaces methionine 557 with valine.
Molecular consequence: missense variant.
Genome position (GRCh38, 1-based): chr8:132,137,916, T>C on the plus strand (A>G on the coding strand, the complement: KCNQ3 is on the minus strand). VCF-style: chr8-132137916-T-C. GRCh37 (hg19) VCF-style: chr8-133150163-T-C.
Other names: c.1309A>G, p.Met437Val (NM_001204824.2); short protein forms M437V, M557V.
Identifiers: ClinVar variation 4687797 (VCV004687797.1).

ClinVar aggregate classification (germline): Uncertain significance (1 of 4 stars; one submission).

Submission:

Women's Health and Genetics/Laboratory Corporation of America, LabCorp
Classification: Uncertain significance. Last evaluated: 2025-10-23. Review status: criteria provided, single submitter. Criteria: LabCorp Variant Classification Summary - May 2015. Collection method: clinical testing. Allele origin: germline.
Comment: Variant summary: KCNQ3 c.1669A>G (p.Met557Val) results in a conservative amino acid change in the encoded protein sequence. Algorithms developed to predict the effect of missense changes on protein structure and function are either unavailable or do not agree on the potential impact of this missense change. The variant was absent in 251404 control chromosomes. The available data on variant occurrences in the general population are insufficient to allow any conclusion about variant significance. To our knowledge, no occurrence of c.1669A>G in individuals affected with KCNQ3-related conditions and no experimental evidence demonstrating its impact on protein function have been reported. No submitters have cited clinical-significance assessments for this variant to ClinVar. Based on the evidence outlined above, the variant was classified as uncertain significance.